The following is an entry in ClinVar:

NM_001105206.3(LAMA4):c.4603G>A (p.Val1535Ile)

Gene: LAMA4 (laminin subunit alpha 4; minus strand). Cytogenetic location: 6q21.
Variant type: single nucleotide variant.
Coding change: c.4603G>A on transcript NM_001105206.3 (MANE Select); coding-DNA position 4603, G replaced by A.
Protein change: p.Val1535Ile; replaces valine 1535 with isoleucine.
Molecular consequence: missense variant.
Genome position (GRCh38, 1-based): chr6:112,120,345, C>T on the plus strand (G>A on the coding strand, the complement: LAMA4 is on the minus strand). VCF-style: chr6-112120345-C-T. GRCh37 (hg19) VCF-style: chr6-112441548-C-T.
Other names: c.4582G>A, p.Val1528Ile (NM_001105207.3, NM_002290.5); short protein forms V1535I, V1528I.
Identifiers: ClinVar variation 4614432 (VCV004614432.1).

ClinVar aggregate classification (germline): Uncertain significance (1 of 4 stars; one submission).

Conditions:
Cardiovascular phenotype. Identifiers: MedGen CN230736.

gnomAD v4.1: 1 of 1,612,490 alleles (0.000062%); highest among the groups gnomAD compares: Non-Finnish European, 0.000085%; no homozygotes.

Submission:

Ambry Genetics
Classification: Uncertain significance for Cardiovascular phenotype. Last evaluated: 2025-10-27. Review status: criteria provided, single submitter. Criteria: Ambry Variant Classification Scheme 2023. Collection method: clinical testing. Allele origin: germline.
Comment: The p.V1528I variant (also known as c.4582G>A), located in coding exon 32 of the LAMA4 gene, results from a G to A substitution at nucleotide position 4582. The valine at codon 1528 is replaced by isoleucine, an amino acid with highly similar properties. This amino acid position is conserved. In addition, this alteration is predicted to be tolerated by in silico analysis. Based on the available evidence, the clinical significance of this variant remains unclear.